The following is an entry in ClinVar:

ClinVar aggregate classification (germline): Uncertain significance (1 of 4 stars; one submission).

Conditions:
Fanconi anemia complementation group P. Also called: SLX4-Related Fanconi Anemia. Identifiers: Orphanet 84, MedGen C3469542, MONDO:0013499, OMIM 613951.

gnomAD v4.1: 3 of 1,614,196 alleles (0.00019%); highest among the groups gnomAD compares: Non-Finnish European, 0.00025%; no homozygotes.

Submission:

Pittsburgh Clinical Genomics Laboratory, University of Pittsburgh Medical Center
Classification: Uncertain significance for Fanconi anemia complementation group P. Last evaluated: 2024-01-30. Review status: criteria provided, single submitter. Criteria: ACMG Guidelines, 2015. Collection method: clinical testing. Allele origin: germline. Inheritance: Autosomal recessive inheritance. Affected: yes.
Comment: This sequence variant is a single nucleotide substitution (G>A) at position 319 of the coding sequence of the SLX4 gene that results in an alanine to threonine amino acid change at residue 107 of the SLX4 structure-specific endonuclease subunit protein. This variant is absent from ClinVar and publications. This variant is present in 3 of 628784 alleles (0.0004771%) in the gnomAD v4.0.0 population dataset. Multiple bioinformatic tools predict that this amino acid change would be neutral, and the Ala107 residue at this position is poorly conserved across the vertebrate species examined. Studies examining the functional consequence of this variant have not been performed, to our knowledge. At this time, there is insufficient evidence to determine if this variant is pathogenic or benign. Therefore, we consider this a variant of uncertain significance. ACMG Criteria: BP4, PM2

NM_032444.4(SLX4):c.319G>A (p.Ala107Thr)

Gene: SLX4 (SLX4 structure-specific endonuclease subunit; minus strand). Cytogenetic location: 16p13.3.
Variant type: single nucleotide variant.
Coding change: c.319G>A on transcript NM_032444.4 (MANE Select); coding-DNA position 319, G replaced by A.
Protein change: p.Ala107Thr; replaces alanine 107 with threonine.
Molecular consequence: missense variant.
Genome position (GRCh38, 1-based): chr16:3,608,646, C>T on the plus strand (G>A on the coding strand, the complement: SLX4 is on the minus strand). VCF-style: chr16-3608646-C-T. GRCh37 (hg19) VCF-style: chr16-3658647-C-T.
Other names: short protein forms A107T.
Identifiers: ClinVar variation 3376376 (VCV003376376.1).